The following is an entry in ClinVar:

NM_022124.6(CDH23):c.2516_2517dup (p.Leu840fs)

Gene: CDH23 (cadherin related 23; plus strand). Cytogenetic location: 10q22.1.
Variant type: Duplication.
Coding change: c.2516_2517dup on transcript NM_022124.6 (MANE Select); coding-DNA positions 2516 to 2517, 2 bases duplicated (TG; older notation c.2516_2517dupTG).
Protein change: p.Leu840fs; shifts the reading frame from leucine 840.
Molecular consequence: frameshift variant.
Genome position (GRCh38, 1-based): chr10:71,702,140-71,702,141, TG duplicated. VCF-style (leftmost placement, unchanged base first): chr10-71702139-A-ATG. GRCh37 (hg19) VCF-style: chr10-73461896-A-ATG.
Other names: c.2516_2517dup, p.Leu840fs (NM_001171930.2, NM_001171931.2); short protein forms L840fs.
Identifiers: ClinVar variation 3601195 (VCV003601195.1).

ClinVar aggregate classification (germline): Pathogenic (1 of 4 stars; one submission).

Conditions:
Usher syndrome type 1D (USH1D). Also called: USHER SYNDROME, TYPE ID. Identifiers: Orphanet 231169, Orphanet 886, MedGen C1832845, MONDO:0010984, OMIM 601067.

Submission:

Institute of Rare Diseases, West China Hospital, Sichuan University
Classification: Pathogenic for Usher syndrome type 1D. Last evaluated: 2025-01-09. Review status: criteria provided, single submitter. Criteria: ClinGen HL ACMG Specifications v1. Collection method: research. Allele origin: germline. Affected: yes.
Comment: PVS1;PP1;PP4;PM2_Supporting